The following is an entry in ClinVar:

NM_006147.4(IRF6):c.1061-10C>G

Gene: IRF6 (interferon regulatory factor 6; minus strand). Cytogenetic location: 1q32.2.
Variant type: single nucleotide variant.
Coding change: c.1061-10C>G on transcript NM_006147.4 (MANE Select); 10 bases into the intron before coding-DNA position 1061, C replaced by G.
Molecular consequence: intron variant.
Genome position (GRCh38, 1-based): chr1:209,789,795, G>C on the plus strand (C>G on the coding strand, the complement: IRF6 is on the minus strand). VCF-style: chr1-209789795-G-C. GRCh37 (hg19) VCF-style: chr1-209963140-G-C.
Other names: c.776-10C>G (NM_001206696.2).
Identifiers: ClinVar variation 2011466 (VCV002011466.4), dbSNP rs2464667486, ClinGen allele CA2580061974.
Genomic context (GRCh38, chr1:209,789,795, plus strand): 5'-TCTCAAACGGTGGCTGCTTCTCTATCTGTCCTTTCTGGTGGGCAATGAGATCTGCAGAAA[G>C]TGGAAGAGCAAGTTTGGTATACTGGGTCATTCCACATCCACTCAACAAATACCATCTTTT-3'

ClinVar aggregate classification (germline): Uncertain significance (1 of 4 stars; one submission).

Conditions:
Popliteal pterygium syndrome (PPS). Identifiers: Orphanet 294963, MedGen C0265259, MONDO:0017435.
Orofacial cleft 6, susceptibility to (OFC6). Also called: CLEFT LIP WITH OR WITHOUT CLEFT PALATE, NONSYNDROMIC, 6. Identifiers: MedGen C1837213, MONDO:0012141, OMIM 608864.
Van der Woude syndrome. Identifiers: Orphanet 888, MedGen C0175697, MONDO:0019508.

Submission:

Labcorp Genetics (formerly Invitae), Labcorp
Classification: Uncertain significance for Orofacial cleft 6, susceptibility to; Van der Woude syndrome; Popliteal pterygium syndrome. Last evaluated: 2022-06-27. Review status: criteria provided, single submitter. Criteria: Invitae Variant Classification Sherloc (09022015). Collection method: clinical testing. Allele origin: germline.
Comment: This sequence change falls in intron 7 of the IRF6 gene. It does not directly change the encoded amino acid sequence of the IRF6 protein. This variant is not present in population databases (gnomAD no frequency). This variant has not been reported in the literature in individuals affected with IRF6-related conditions. Algorithms developed to predict the effect of sequence changes on RNA splicing suggest that this variant may disrupt the consensus splice site. In summary, the available evidence is currently insufficient to determine the role of this variant in disease. Therefore, it has been classified as a Variant of Uncertain Significance.